The following is an entry in ClinVar:

ClinVar aggregate classification (germline): Uncertain significance (1 of 4 stars; one submission).

Submission:

Labcorp Genetics (formerly Invitae), Labcorp
Classification: Uncertain significance. Last evaluated: 2023-10-19. Review status: criteria provided, single submitter. Criteria: Invitae Variant Classification Sherloc (09022015). Collection method: clinical testing. Allele origin: germline.
Comment: This sequence change replaces tyrosine, which is neutral and polar, with serine, which is neutral and polar, at codon 68 of the NTHL1 protein (p.Tyr68Ser). This variant is not present in population databases (gnomAD no frequency). This variant has not been reported in the literature in individuals affected with NTHL1-related conditions. An algorithm developed to predict the effect of missense changes on protein structure and function (PolyPhen-2) suggests that this variant is likely to be tolerated. In summary, the available evidence is currently insufficient to determine the role of this variant in disease. Therefore, it has been classified as a Variant of Uncertain Significance.

NM_002528.7(NTHL1):c.179A>C (p.Tyr60Ser)

Gene: NTHL1 (nth like DNA glycosylase 1; minus strand). Cytogenetic location: 16p13.3.
Variant type: single nucleotide variant.
Coding change: c.179A>C on transcript NM_002528.7 (MANE Select); coding-DNA position 179, A replaced by C.
Protein change: p.Tyr60Ser; replaces tyrosine 60 with serine.
Molecular consequence: missense variant. On other transcripts: initiator codon variant (1).
Genome position (GRCh38, 1-based): chr16:2,046,303, T>G on the plus strand (A>C on the coding strand, the complement: NTHL1 is on the minus strand). VCF-style: chr16-2046303-T-G. GRCh37 (hg19) VCF-style: chr16-2096304-T-G.
Other names: c.179A>C, p.Tyr60Ser (NM_001318193.2); c.1A>C, p.Met1Leu (NM_001318194.2); short protein forms M1L, Y60S.
Identifiers: ClinVar variation 3005652 (VCV003005652.3), dbSNP rs776076209, ClinGen allele CA394297768.